The following is an entry in ClinVar:

NM_000199.5(SGSH):c.961A>G (p.Thr321Ala)

Gene: SGSH (N-sulfoglucosamine sulfohydrolase; minus strand). Cytogenetic location: 17q25.3.
Variant type: single nucleotide variant.
Coding change: c.961A>G on transcript NM_000199.5 (MANE Select); coding-DNA position 961, A replaced by G.
Protein change: p.Thr321Ala; replaces threonine 321 with alanine.
Molecular consequence: missense variant. On other transcripts: 3 prime UTR variant (2), non-coding transcript variant (1).
Genome position (GRCh38, 1-based): chr17:80,211,000, T>C on the plus strand (A>G on the coding strand, the complement: SGSH is on the minus strand). VCF-style: chr17-80211000-T-C. GRCh37 (hg19) VCF-style: chr17-78184799-T-C.
Other names: c.*48A>G (NM_001352921.3); c.*11A>G (NM_001352922.2); short protein forms T321A.
Identifiers: ClinVar variation 546107 (VCV000546107.8), dbSNP rs758756630, ClinGen allele CA8817704.

ClinVar aggregate classification (germline): Conflicting classifications of pathogenicity. Review status: criteria provided, conflicting classifications (1 of 4 stars). 4 submissions from 4 submitters: Likely pathogenic (2); Uncertain significance (1). 1 of the submissions does not count toward it. Last evaluated 2022-07-12.

Conditions:
Mucopolysaccharidosis, MPS-III-A (MPS3A). Also called: SANFILIPPO SYNDROME A; SULFAMIDASE DEFICIENCY; MPS III A; MUCOPOLYSACCHARIDOSIS, TYPE IIIA, ATTENUATED; Mucopolysaccharidosis type IIIA (Sanfilippo A); MPS IIIA (Sanfilippo Syndrome Type A). Identifiers: Orphanet 581, Orphanet 79269, MedGen C0086647, MONDO:0009655, OMIM 252900.

Allele frequency attached by ClinVar (database versions not stated): gnomAD exomes 0.00001 and below 0.00001; ExAC 0.00001.

Submissions (4):

Labcorp Genetics (formerly Invitae), Labcorp
Classification: Uncertain significance for Mucopolysaccharidosis, MPS-III-A. Last evaluated: 2022-07-12. Review status: criteria provided, single submitter. Criteria: Invitae Variant Classification Sherloc (09022015). Collection method: clinical testing. Allele origin: germline.
Comment: This sequence change replaces threonine, which is neutral and polar, with alanine, which is neutral and non-polar, at codon 321 of the SGSH protein (p.Thr321Ala). This variant is present in population databases (rs758756630, gnomAD 0.0009%). This missense change has been observed in individual(s) with mucopolysaccharidosis type III (PMID: 9401012). ClinVar contains an entry for this variant (Variation ID: 546107). Algorithms developed to predict the effect of missense changes on protein structure and function are either unavailable or do not agree on the potential impact of this missense change (SIFT: "Deleterious"; PolyPhen-2: "Probably Damaging"; Align-GVGD: "Class C0"). In summary, the available evidence is currently insufficient to determine the role of this variant in disease. Therefore, it has been classified as a Variant of Uncertain Significance.

Genome-Nilou Lab
Classification: Likely pathogenic for Mucopolysaccharidosis, MPS-III-A. Last evaluated: 2021-11-07. Review status: criteria provided, single submitter. Criteria: ACMG Guidelines, 2015. Collection method: clinical testing. Allele origin: germline. Affected: no.

GeneDx
Classification: Likely pathogenic. Last evaluated: 2018-05-16. Review status: criteria provided, single submitter. Criteria: GeneDx Variant Classification (06012015). Collection method: clinical testing. Allele origin: germline. Affected: yes.
Comment: A likely pathogenic variant has been identified in the SGSH gene. The T321A variant has been reported previously in the homozygous state in an individual with mucopolysaccharidosis type IIIA; however, it is not known whether biparental inheritance was confirmed (Bunge et al., 1997). The T321A variant is not observed at a significant frequency in large population cohorts (Lek et al., 2016). The T321A variant is a non-conservative amino acid substitution, which is likely to impact secondary protein structure as these residues differ in polarity, charge, size and/or other properties. In-silico analyses, including protein predictors and evolutionary conservation, support a deleterious effect. Additionally, missense variants in nearby residues have been reported in the Human Gene Mutation Database in individuals with mucopolysaccharidosis type IIIA (Stenson et al., 2014). Based on the currently available information, we interpret T321A as a likely pathogenic variant.

Counsyl
Classification: Uncertain significance for Mucopolysaccharidosis, MPS-III-A. Last evaluated: 2017-06-21. Review status: no assertion criteria provided. Collection method: clinical testing. Allele origin: unknown. Not counted in ClinVar's aggregate classification.

Literature cited by the submitters: PubMed 9401012 (cited by Labcorp Genetics (formerly Invitae), Labcorp and Counsyl).